The following is an entry in ClinVar:

ClinVar aggregate classification (germline): Likely benign. Review status: criteria provided, single submitter (1 of 4 stars). 2 submissions from 2 submitters: Likely benign (1). 1 of the submissions does not count toward it. Last evaluated 2024-08-28.

Conditions:
TREM2-related disorder. Also called: TREM2-related condition.

Allele frequency attached by ClinVar (database versions not stated): ExAC 0.00002.
gnomAD v4.1: 27 of 1,613,906 alleles (0.0017%); highest among the groups gnomAD compares: Middle Eastern, 0.016%; no homozygotes.

Submissions (2):

Labcorp Genetics (formerly Invitae), Labcorp
Classification: Likely benign. Last evaluated: 2024-08-28. Review status: criteria provided, single submitter. Criteria: Invitae Variant Classification Sherloc (09022015). Collection method: clinical testing. Allele origin: germline.

PreventionGenetics, part of Exact Sciences
Classification: Likely benign for TREM2-related condition. Last evaluated: 2022-09-28. Review status: no assertion criteria provided. Collection method: clinical testing. Allele origin: germline. Not counted in ClinVar's aggregate classification.
Comment: This variant is classified as likely benign based on ACMG/AMP sequence variant interpretation guidelines (Richards et al. 2015 PMID: 25741868, with internal and published modifications).

NM_018965.4(TREM2):c.432C>T (p.Pro144=)

Gene: TREM2 (triggering receptor expressed on myeloid cells 2; minus strand). Cytogenetic location: 6p21.1.
Variant type: single nucleotide variant.
Coding change: c.432C>T on transcript NM_018965.4 (MANE Select); coding-DNA position 432, C replaced by T.
Protein change: p.Pro144=; no amino-acid change (proline 144 retained).
Molecular consequence: synonymous variant.
Genome position (GRCh38, 1-based): chr6:41,159,842, G>A on the plus strand (C>T on the coding strand, the complement: TREM2 is on the minus strand). VCF-style: chr6-41159842-G-A. GRCh37 (hg19) VCF-style: chr6-41127580-G-A.
Other names: c.432C>T, p.Pro144= (NM_001271821.2).
Identifiers: ClinVar variation 3054123 (VCV003054123.4), dbSNP rs754022211, ClinGen allele CA3798882.
Genomic context (GRCh38, chr6:41,159,842, plus strand): 5'-ATCGCTGTACCTGGAGATGCTGTGCTCCACATGGGCATCCTCGAAGCTCTCAGACTCCCC[G>A]GGGAACCAGAGATCTCCAGCATCCCGGTGATCCAGGGGGTCTATGGGAGGCAGAGCCATG-3'
Protein context (NP_061838.1, residues 134-154): DHRDAGDLWF[Pro144=]GESESFEDAH